The following is an entry in ClinVar:

NM_001009944.3(PKD1):c.-45_16del (p.Met1fs)

Gene: PKD1 (polycystin 1, transient receptor potential channel interacting; minus strand). Cytogenetic location: 16p13.3.
Variant type: Deletion.
Coding change: c.-45_16del on transcript NM_001009944.3 (MANE Select); 45 bases upstream of the start codon through coding-DNA position 16, 61 bases deleted.
Protein change: p.Met1fs; shifts the reading frame from methionine 1.
Molecular consequence: frameshift variant, initiator codon variant.
Genome position (GRCh38, 1-based): chr16:2,135,674-2,135,734, 61 bases deleted. GRCh37 (hg19): chr16:2,185,680-2,185,740.
Other names: c.-45_16del, p.Met1fs (NM_000296.4); c.-45_16del61 (NM_001009944.3); short protein forms M1fs.
Identifiers: ClinVar variation 4526278 (VCV004526278.1).

ClinVar aggregate classification (germline): Pathogenic (1 of 4 stars; one submission).

Conditions:
Polycystic kidney disease, adult type (PKD1). Also called: Polycystic Kidney, Autosomal Dominant; POLYCYSTIC KIDNEY DISEASE, ADULT, TYPE I; Polycystic Kidney Disease 1, Autosomal Dominant; Polycystic kidney disease 1; Polycystic kidney disease 1, severe; POLYCYSTIC KIDNEY DISEASE 1 WITH OR WITHOUT POLYCYSTIC LIVER DISEASE. Identifiers: MedGen C3149841, MONDO:0008263, OMIM 173900.

Submission:

Women's Health and Genetics/Laboratory Corporation of America, LabCorp
Classification: Pathogenic for Polycystic kidney disease, adult type. Last evaluated: 2025-07-22. Review status: criteria provided, single submitter. Criteria: LabCorp Variant Classification Summary - May 2015. Collection method: clinical testing. Allele origin: germline.
Comment: Variant summary: PKD1 c.-45_16del61 (NA) is predicted to result either in absence of the protein or truncation of the encoded protein due to translation initiation at a downstream codon. The variant was absent in 24372 control chromosomes (gnomAD). To our knowledge, no occurrence of c.-45_16del61 in individuals affected with Polycystic Kidney Disease 1 and no experimental evidence demonstrating its impact on protein function have been reported. No submitters have cited clinical-significance assessments for this variant to ClinVar. Based on the evidence outlined above, the variant was classified as pathogenic.